The following is an entry in ClinVar:

ClinVar aggregate classification (germline): Uncertain significance (1 of 4 stars; one submission).

Allele frequency attached by ClinVar (database versions not stated): ExAC 0.00003; gnomAD 0.00003; TOPMed 0.00003; gnomAD exomes 0.00004.

Submission:

Labcorp Genetics (formerly Invitae), Labcorp
Classification: Uncertain significance. Last evaluated: 2022-07-06. Review status: criteria provided, single submitter. Criteria: Invitae Variant Classification Sherloc (09022015). Collection method: clinical testing. Allele origin: germline.
Comment: This sequence change replaces arginine, which is basic and polar, with cysteine, which is neutral and slightly polar, at codon 268 of the WNT2B protein (p.Arg268Cys). This variant is present in population databases (rs761702933, gnomAD 0.02%). This missense change has been observed in individual(s) with clinical features of WNT2B-related conditions (PMID: 32799327). Algorithms developed to predict the effect of missense changes on protein structure and function (SIFT, PolyPhen-2, Align-GVGD) all suggest that this variant is likely to be disruptive. In summary, the available evidence is currently insufficient to determine the role of this variant in disease. Therefore, it has been classified as a Variant of Uncertain Significance.

Literature cited by the submitters: PubMed 32799327.

NM_024494.3(WNT2B):c.802C>T (p.Arg268Cys)

Gene: WNT2B (Wnt family member 2B; plus strand). Cytogenetic location: 1p13.2.
Variant type: single nucleotide variant.
Coding change: c.802C>T on transcript NM_024494.3 (MANE Select); coding-DNA position 802, C replaced by T.
Protein change: p.Arg268Cys; replaces arginine 268 with cysteine.
Molecular consequence: missense variant.
Genome position (GRCh38, 1-based): chr1:112,517,241, C>T. VCF-style: chr1-112517241-C-T. GRCh37 (hg19) VCF-style: chr1-113059863-C-T.
Other names: c.526C>T, p.Arg176Cys (NM_001291880.1); c.745C>T, p.Arg249Cys (NM_004185.4); short protein forms R268C, R176C, R249C.
Identifiers: ClinVar variation 2179278 (VCV002179278.1), dbSNP rs761702933, ClinGen allele CA1008356.